The following is an entry in ClinVar:

ClinVar aggregate classification (germline): Uncertain significance (1 of 4 stars; one submission).

Conditions:
Leigh syndrome (NULS). Also called: Leigh's necrotizing encephalopathy; Leigh's disease; Leigh Syndrome (mtDNA deletion); Leigh Disease; Subacute necrotizing encephalopathy; Necrotizing encephalopathy infantile subacute of Leigh. Identifiers: Orphanet 506, MedGen C2931891, MONDO:0009723, OMIM 256000.

Submission:

Wong Mito Lab, Molecular and Human Genetics, Baylor College of Medicine
Classification: Uncertain significance for Leigh syndrome. Last evaluated: 2019-10-17. Review status: criteria provided, single submitter. Criteria: Modified ACMG Guidelines (Unpublished). Collection method: clinical testing. Allele origin: germline.
Comment: The NC_012920.1:m.5496A>G (YP_003024027.1:p.Met343Val) variant in MTND2 gene is interpretated to be a Uncertain Significance variant based on the modified ACMG guidelines (unpublished). This variant meets the following evidence codes: PP4

NC_012920.1(MT-ND2):m.5496A>G

Gene: MT-ND2 (mitochondrially encoded NADH dehydrogenase 2; plus strand).
Variant type: single nucleotide variant.
Genome position: chrM-5496-A-G.
Identifiers: ClinVar variation 692597 (VCV000692597.1), dbSNP rs879099820, ClinGen allele CA337097158.